The following is an entry in ClinVar:

NM_014915.3(ANKRD26):c.4916G>C (p.Arg1639Pro)

Gene: ANKRD26 (ankyrin repeat domain 26; minus strand). Cytogenetic location: 10p12.1.
Variant type: single nucleotide variant.
Coding change: c.4916G>C on transcript NM_014915.3 (MANE Select); coding-DNA position 4916, G replaced by C.
Protein change: p.Arg1639Pro; replaces arginine 1639 with proline.
Molecular consequence: missense variant.
Genome position (GRCh38, 1-based): chr10:27,012,919, C>G on the plus strand (G>C on the coding strand, the complement: ANKRD26 is on the minus strand). VCF-style: chr10-27012919-C-G. GRCh37 (hg19) VCF-style: chr10-27301848-C-G.
Other names: c.4913G>C, p.Arg1638Pro (NM_001256053.2); short protein forms R1638P, R1639P.
Identifiers: ClinVar variation 5023728 (VCV005023728.1).

ClinVar aggregate classification (germline): Uncertain significance (1 of 4 stars; one submission).

Conditions:
Inborn genetic diseases. Identifiers: MedGen C0950123, MeSH D030342.

Submission:

Ambry Genetics
Classification: Uncertain significance for Inborn genetic diseases. Last evaluated: 2026-08-31. Review status: criteria provided, single submitter. Criteria: Ambry Variant Classification Scheme 2023. Collection method: clinical testing. Allele origin: germline.
Comment: The p.R1639P variant (also known as c.4916G>C), located in coding exon 32 of the ANKRD26 gene, results from a G to C substitution at nucleotide position 4916. The arginine at codon 1639 is replaced by proline, an amino acid with dissimilar properties. This amino acid position is conserved. In addition, this alteration is predicted to be tolerated by in silico analysis. Based on the available evidence, the clinical significance of this variant remains unclear.